The following is an entry in ClinVar:

ClinVar aggregate classification (germline): Uncertain significance (1 of 4 stars; one submission).

Submission:

Labcorp Genetics (formerly Invitae), Labcorp
Classification: Uncertain significance. Last evaluated: 2024-12-12. Review status: criteria provided, single submitter. Criteria: Invitae Variant Classification Sherloc (09022015). Collection method: clinical testing. Allele origin: germline.
Comment: This sequence change replaces alanine, which is neutral and non-polar, with threonine, which is neutral and polar, at codon 6 of the AARS2 protein (p.Ala6Thr). This variant is not present in population databases (gnomAD no frequency). This variant has not been reported in the literature in individuals affected with AARS2-related conditions. Invitae Evidence Modeling of protein sequence and biophysical properties (such as structural, functional, and spatial information, amino acid conservation, physicochemical variation, residue mobility, and thermodynamic stability) indicates that this missense variant is not expected to disrupt AARS2 protein function with a negative predictive value of 95%. In summary, the available evidence is currently insufficient to determine the role of this variant in disease. Therefore, it has been classified as a Variant of Uncertain Significance.

NM_020745.4(AARS2):c.16G>A (p.Ala6Thr)

Gene: AARS2 (alanyl-tRNA synthetase 2, mitochondrial; minus strand). Cytogenetic location: 6p21.1.
Variant type: single nucleotide variant.
Coding change: c.16G>A on transcript NM_020745.4 (MANE Select); coding-DNA position 16, G replaced by A.
Protein change: p.Ala6Thr; replaces alanine 6 with threonine.
Molecular consequence: missense variant.
Genome position (GRCh38, 1-based): chr6:44,313,308, C>T on the plus strand (G>A on the coding strand, the complement: AARS2 is on the minus strand). VCF-style: chr6-44313308-C-T. GRCh37 (hg19) VCF-style: chr6-44281045-C-T.
Other names: short protein forms A6T.
Identifiers: ClinVar variation 3629385 (VCV003629385.2).